The following is an entry in ClinVar:

ClinVar aggregate classification (germline): Uncertain significance (1 of 4 stars; one submission).

Conditions:
Familial cancer of breast. Also called: BREAST CANCER, FAMILIAL; Hereditary breast cancer; hereditary breast carcinoma. Identifiers: Orphanet 227535, MedGen C0346153, MONDO:0016419, OMIM 114480. Disease mechanism: loss of function.

Submission:

Labcorp Genetics (formerly Invitae), Labcorp
Classification: Uncertain significance for Familial cancer of breast. Last evaluated: 2018-03-09. Review status: criteria provided, single submitter. Criteria: Invitae Variant Classification Sherloc (09022015). Collection method: clinical testing. Allele origin: germline.
Comment: In summary, the available evidence is currently insufficient to determine the role of this variant in disease. Therefore, it has been classified as a Variant of Uncertain Significance. Algorithms developed to predict the effect of missense changes on protein structure and function (SIFT, PolyPhen-2, Align-GVGD) all suggest that this variant is likely to be tolerated, but these predictions have not been confirmed by published functional studies and their clinical significance is uncertain. This variant has not been reported in the literature in individuals with PALB2-related disease. This variant is not present in population databases (ExAC no frequency). This sequence change replaces lysine with glutamic acid at codon 967 of the PALB2 protein (p.Lys967Glu). The lysine residue is highly conserved and there is a small physicochemical difference between lysine and glutamic acid.

NM_024675.4(PALB2):c.2899A>G (p.Lys967Glu)

Gene: PALB2 (partner and localizer of BRCA2; minus strand). Cytogenetic location: 16p12.2.
Variant type: single nucleotide variant.
Coding change: c.2899A>G on transcript NM_024675.4 (MANE Select); coding-DNA position 2899, A replaced by G.
Protein change: p.Lys967Glu; replaces lysine 967 with glutamic acid.
Molecular consequence: missense variant.
Genome position (GRCh38, 1-based): chr16:23,623,066, T>C on the plus strand (A>G on the coding strand, the complement: PALB2 is on the minus strand). VCF-style: chr16-23623066-T-C. GRCh37 (hg19) VCF-style: chr16-23634387-T-C.
Other names: short protein forms K967E.
Identifiers: ClinVar variation 566942 (VCV000566942.9), dbSNP rs864622525, ClinGen allele CA395144275.